The following is an entry in ClinVar:

ClinVar aggregate classification (germline): Uncertain significance. Review status: criteria provided, multiple submitters, no conflicts (2 of 4 stars). 2 submissions from 2 submitters: Uncertain significance (2). Last evaluated 2024-06-04.

Conditions:
Inborn genetic diseases. Identifiers: MedGen C0950123, MeSH D030342.

Allele frequency attached by ClinVar (database versions not stated): gnomAD exomes 0.00001 and 0.00002; ExAC 0.00002; gnomAD 0.00002.

Submissions (2):

Ambry Genetics
Classification: Uncertain significance for Inborn genetic diseases. Last evaluated: 2024-06-04. Review status: criteria provided, single submitter. Criteria: Ambry Variant Classification Scheme 2023. Collection method: clinical testing. Allele origin: germline.

Labcorp Genetics (formerly Invitae), Labcorp
Classification: Uncertain significance. Last evaluated: 2022-11-15. Review status: criteria provided, single submitter. Criteria: Invitae Variant Classification Sherloc (09022015). Collection method: clinical testing. Allele origin: germline.
Comment: In summary, the available evidence is currently insufficient to determine the role of this variant in disease. Therefore, it has been classified as a Variant of Uncertain Significance. Advanced modeling of protein sequence and biophysical properties (such as structural, functional, and spatial information, amino acid conservation, physicochemical variation, residue mobility, and thermodynamic stability) performed at Invitae indicates that this missense variant is not expected to disrupt ZNF335 protein function. ClinVar contains an entry for this variant (Variation ID: 1430790). This variant has not been reported in the literature in individuals affected with ZNF335-related conditions. This variant is present in population databases (rs748129880, gnomAD 0.006%). This sequence change replaces arginine, which is basic and polar, with glutamine, which is neutral and polar, at codon 535 of the ZNF335 protein (p.Arg535Gln).

NM_022095.4(ZNF335):c.1604G>A (p.Arg535Gln)

Gene: ZNF335 (zinc finger protein 335; minus strand). Cytogenetic location: 20q13.12.
Variant type: single nucleotide variant.
Coding change: c.1604G>A on transcript NM_022095.4 (MANE Select); coding-DNA position 1604, G replaced by A.
Protein change: p.Arg535Gln; replaces arginine 535 with glutamine.
Molecular consequence: missense variant.
Genome position (GRCh38, 1-based): chr20:45,962,112, C>T on the plus strand (G>A on the coding strand, the complement: ZNF335 is on the minus strand). VCF-style: chr20-45962112-C-T. GRCh37 (hg19) VCF-style: chr20-44590751-C-T.
Other names: c.1604G>A (NM_022095.3); short protein forms R535Q.
Identifiers: ClinVar variation 1430790 (VCV001430790.7), dbSNP rs748129880, ClinGen allele CA9885682.